The following is an entry in ClinVar:

NM_004586.3(RPS6KA3):c.1620G>A (p.Leu540=)

Gene: RPS6KA3 (ribosomal protein S6 kinase A3; minus strand). Cytogenetic location: Xp22.12.
Variant type: single nucleotide variant.
Coding change: c.1620G>A on transcript NM_004586.3 (MANE Select); coding-DNA position 1620, G replaced by A.
Protein change: p.Leu540=; no amino-acid change (leucine 540 retained).
Molecular consequence: synonymous variant.
Genome position (GRCh38, 1-based): chrX:20,165,043, C>T on the plus strand (G>A on the coding strand, the complement: RPS6KA3 is on the minus strand). VCF-style: chrX-20165043-C-T. GRCh37 (hg19) VCF-style: chrX-20183161-C-T.
Identifiers: ClinVar variation 3354235 (VCV003354235.1).
Genomic context (GRCh38, chrX:20,165,043, plus strand): 5'-ACAAATTCGAATAGATTCCGGATTACCAGATTCATCCACATAAAGAATGTTGCTAGGTTT[C>T]AAGTCTCTATGAACCACCTAATTGAAATACAAATTAAAGAGTTATGTTAACAATATATTT-3'
Protein context (NP_004577.1, residues 530-550): LHAQGVVHRD[Leu540=]KPSNILYVDE

ClinVar aggregate classification (germline): Likely benign (0 of 4 stars; one submission).

Conditions:
RPS6KA3-related disorder. Also called: RPS6KA3-related condition.

gnomAD v4.1: 3 of 1,185,225 alleles (0.00025%); highest among the groups gnomAD compares: African/African-American, 0.0053%; no homozygotes.

Submission:

PreventionGenetics, part of Exact Sciences
Classification: Likely benign for RPS6KA3-related condition. Last evaluated: 2022-07-06. Review status: no assertion criteria provided. Collection method: clinical testing. Allele origin: germline.
Comment: This variant is classified as likely benign based on ACMG/AMP sequence variant interpretation guidelines (Richards et al. 2015 PMID: 25741868, with internal and published modifications).